The following is an entry in ClinVar:

ClinVar aggregate classification (germline): Uncertain significance. Review status: criteria provided, multiple submitters, no conflicts (2 of 4 stars). 2 submissions from 2 submitters: Uncertain significance (2). Last evaluated 2025-10-03.

Conditions:
Hereditary pancreatitis (PCTT). Also called: PRSS1-Related Hereditary Pancreatitis; Hereditary chronic pancreatitis. Identifiers: Orphanet 676, MedGen C0238339, MONDO:0008185, OMIM 167800.

Allele frequency attached by ClinVar (database versions not stated): gnomAD exomes 0.00001.
gnomAD v4.1: 11 of 1,614,086 alleles (0.00068%); highest among the groups gnomAD compares: East Asian, 0.025%; no homozygotes.

Submissions (2):

Labcorp Genetics (formerly Invitae), Labcorp
Classification: Uncertain significance for Hereditary pancreatitis. Last evaluated: 2025-10-03. Review status: criteria provided, single submitter. Criteria: Invitae Variant Classification Sherloc (09022015). Collection method: clinical testing. Allele origin: germline.
Comment: This sequence change replaces valine, which is neutral and non-polar, with glycine, which is neutral and non-polar, at codon 80 of the PRSS1 protein (p.Val80Gly). This variant is not present in population databases (gnomAD no frequency). This variant has not been reported in the literature in individuals affected with PRSS1-related conditions. ClinVar contains an entry for this variant (Variation ID: 835873). Invitae Evidence Modeling of protein sequence and biophysical properties (such as structural, functional, and spatial information, amino acid conservation, physicochemical variation, residue mobility, and thermodynamic stability) indicates that this missense variant is not expected to disrupt PRSS1 protein function with a negative predictive value of 80%. In summary, the available evidence is currently insufficient to determine the role of this variant in disease. Therefore, it has been classified as a Variant of Uncertain Significance.

Ambry Genetics
Classification: Uncertain significance for Hereditary pancreatitis. Last evaluated: 2024-12-29. Review status: criteria provided, single submitter. Criteria: Ambry Variant Classification Scheme 2023. Collection method: clinical testing. Allele origin: germline.
Comment: The p.V80G variant (also known as c.239T>G), located in coding exon 3 of the PRSS1 gene, results from a T to G substitution at nucleotide position 239. The valine at codon 80 is replaced by glycine, an amino acid with dissimilar properties. This amino acid position is conserved. In addition, the in silico prediction for this alteration is inconclusive. Since supporting evidence is limited at this time, the clinical significance of this alteration remains unclear.

NM_002769.5(PRSS1):c.239T>G (p.Val80Gly)

Genes: TRB (T cell receptor beta locus; plus strand), PRSS1 (serine protease 1; plus strand). Cytogenetic location: 7q34.
Variant type: single nucleotide variant.
Coding change: c.239T>G on transcript NM_002769.5 (MANE Select); coding-DNA position 239, T replaced by G.
Protein change: p.Val80Gly; replaces valine 80 with glycine.
Molecular consequence: missense variant.
Genome position (GRCh38, 1-based): chr7:142,751,812, T>G. VCF-style: chr7-142751812-T-G. GRCh37 (hg19) VCF-style: chr7-142459663-T-G.
Other names: short protein forms V80G.
Identifiers: ClinVar variation 835873 (VCV000835873.12), dbSNP rs1798760073, ClinGen allele CA369608480.
Genomic context (GRCh38, chr7:142,751,812, plus strand): 5'-CCATGCCTGCCCTGCCCATCAGCCGCATCCAGGTGAGACTGGGAGAGCACAACATCGAAG[T>G]CCTGGAGGGGAATGAGCAGTTCATCAATGCAGCCAAGATCATCCGCCACCCCCAATACGA-3'
Protein context (NP_002760.1, residues 70-90): QVRLGEHNIE[Val80Gly]LEGNEQFINA